The following is an entry in ClinVar:

NM_001148.6(ANK2):c.5431C>T (p.Pro1811Ser)

Genes: ANK2 (ankyrin 2; plus strand), LOC126807136 (MED14-independent group 3 enhancer GRCh37_chr4:114274931-114276130; plus strand). Cytogenetic location: 4q26.
Variant type: single nucleotide variant.
Coding change: c.5431C>T on transcript NM_001148.6 (MANE Select); coding-DNA position 5431, C replaced by T.
Protein change: p.Pro1811Ser; replaces proline 1811 with serine.
Molecular consequence: missense variant. On other transcripts: intron variant (68).
Genome position (GRCh38, 1-based): chr4:113,354,049, C>T. VCF-style: chr4-113354049-C-T. GRCh37 (hg19) VCF-style: chr4-114275205-C-T.
Other names: c.4411+3800C>T (NM_001386186.2, NM_001386148.2); c.4213+3800C>T (NM_001354269.3); c.4291+3800C>T (NM_001386187.2); c.4252+3800C>T (NM_001386147.1); c.4270+3800C>T (NM_001386160.1); c.4375+3800C>T (NM_001354254.2); c.4396+3800C>T (NM_001354239.2, NM_001354252.2); c.4297+3800C>T (NM_001354272.2); and 35 more; short protein forms P1811S, P1850S, P1733S, P1858S, P611S.
Identifiers: ClinVar variation 1047560 (VCV001047560.8), dbSNP rs200645469, ClinGen allele CA103812253.
Genomic context (GRCh38, chr4:113,354,049, plus strand): 5'-GTCAAAGGCAAGGAGGACGTGCCAAAAAAGACCACCCACAGGCCACATCCAGCTGCGTCA[C>T]CCTCTCTGAAGTCAGAGAGACATGCGCCAGGGTCTCCCTCCCCTAAAACAGAAAGACACT-3'
Protein context (NP_001139.3, residues 1801-1821): TTHRPHPAAS[Pro1811Ser]SLKSERHAPG

ClinVar aggregate classification (germline): Conflicting classifications of pathogenicity. Review status: criteria provided, conflicting classifications (1 of 4 stars). 3 submissions from 3 submitters: Uncertain significance (2); Likely benign (1). Last evaluated 2023-01-19.

Conditions:
Long QT syndrome (LQTS). Identifiers: MedGen C0023976, MeSH D008133, MONDO:0002442. Disease mechanism: loss of function. Inheritance: Various modes of inheritance.
Cardiovascular phenotype. Identifiers: MedGen CN230736.
Cardiac arrhythmia, ankyrin-B-related. Also called: ANKYRIN-B SYNDROME. Identifiers: Orphanet 101016, Orphanet 768, MedGen C1970119, MONDO:0010958, OMIM 600919.

Allele frequency attached by ClinVar (database versions not stated): TOPMed 0.00001.
gnomAD v4.1: 13 of 1,613,962 alleles (0.00081%); highest among the groups gnomAD compares: Non-Finnish European, 0.0011%; no homozygotes.

Submissions (3):

Labcorp Genetics (formerly Invitae), Labcorp
Classification: Uncertain significance for Long QT syndrome. Last evaluated: 2023-01-19. Review status: criteria provided, single submitter. Criteria: Invitae Variant Classification Sherloc (09022015). Collection method: clinical testing. Allele origin: germline.
Comment: In summary, the available evidence is currently insufficient to determine the role of this variant in disease. Therefore, it has been classified as a Variant of Uncertain Significance. Algorithms developed to predict the effect of missense changes on protein structure and function (SIFT, PolyPhen-2, Align-GVGD) all suggest that this variant is likely to be tolerated. ClinVar contains an entry for this variant (Variation ID: 1047560). This variant has not been reported in the literature in individuals affected with ANK2-related conditions. This variant is present in population databases (no rsID available, gnomAD 0.0009%). This sequence change replaces proline, which is neutral and non-polar, with serine, which is neutral and polar, at codon 1811 of the ANK2 protein (p.Pro1811Ser).

Ambry Genetics
Classification: Likely benign for Cardiovascular phenotype. Last evaluated: 2021-09-09. Review status: criteria provided, single submitter. Criteria: Ambry Variant Classification Scheme 2023. Collection method: clinical testing. Allele origin: germline.

Fulgent Genetics
Classification: Uncertain significance for Cardiac arrhythmia, ankyrin-B-related. Last evaluated: 2021-07-27. Review status: criteria provided, single submitter. Criteria: ACMG Guidelines, 2015. Collection method: clinical testing. Allele origin: unknown.

Literature cited by the submitters: PubMed 29892012 (cited by Ambry Genetics).